The following is an entry in ClinVar:

ClinVar aggregate classification (germline): Likely pathogenic (1 of 4 stars; one submission).

Conditions:
Developmental and epileptic encephalopathy, 9 (DEE9). Also called: Early infantile epileptic encephalopathy 9; EPILEPSY, FEMALE-RESTRICTED, WITH MENTAL RETARDATION; JUBERG-HELLMAN SYNDROME; PCDH19-Related X-Linked Female-Limited Epilepsy with Mental Retardation. Identifiers: Orphanet 101039, Orphanet 2076, MedGen C1848137, MONDO:0010246, OMIM 300088. Disease mechanism: loss of function.

Submission:

Centro de Investigaciones en Bioquimica Clinica e Inmunologia, Consejo Nacional de Investigaciones Científicas y Técnicas
Classification: Likely pathogenic for Developmental and epileptic encephalopathy, 9. Last evaluated: 2026-03-09. Review status: criteria provided, single submitter. Criteria: ACMG Guidelines, 2015. Collection method: research. Allele origin: germline. Inheritance: Autosomal dominant inheritance. Affected: yes. Observed: 1 variant allele.
Comment: The variant results in a frameshift leading to a premature termination codon, which is predicted to result in loss of normal protein function. Loss-of-function is an established disease mechanism for PCDH19-related developmental and epileptic encephalopathy 9 (MIM:300088), fulfilling the PVS1 criterion. The variant is absent from population databases, including gnomAD (PM2_Supporting). Based on the available evidence, this variant is classified as Likely Pathogenic.

NM_001184880.2(PCDH19):c.91dup (p.Glu31fs)

Gene: PCDH19 (protocadherin 19; minus strand). Cytogenetic location: Xq22.1.
Variant type: Duplication.
Coding change: c.91dup on transcript NM_001184880.2 (MANE Select); coding-DNA position 91, one base duplicated (G; older notation c.91dupG).
Protein change: p.Glu31fs; shifts the reading frame from glutamic acid 31.
Molecular consequence: frameshift variant.
Genome position (GRCh38, 1-based): chrX:100,408,507, C duplicated on the plus strand (G on the coding strand, the reverse complement: PCDH19 is on the minus strand). VCF-style (leftmost placement, unchanged base first): chrX-100408506-T-TC. GRCh37 (hg19) VCF-style: chrX-99663504-T-TC.
Other names: c.91dup, p.Glu31fs (NM_001105243.2, NM_020766.3); short protein forms E31fs.
Identifiers: ClinVar variation 4845313 (VCV004845313.1).